The following is an entry in ClinVar:

ClinVar aggregate classification (germline): Pathogenic. Review status: criteria provided, multiple submitters, no conflicts (2 of 4 stars). 3 submissions from 3 submitters: Pathogenic (3). Last evaluated 2026-01-27.

Conditions:
Hereditary cancer-predisposing syndrome. Also called: Hereditary Cancer Syndrome; Tumor predisposition; Neoplastic Syndromes, Hereditary; Hereditary neoplastic syndrome. Identifiers: Orphanet 140162, MedGen C0027672, MeSH D009386, MONDO:0015356.
Retinoblastoma (RB1). Also called: RETINOBLASTOMA, SOMATIC. Identifiers: Orphanet 790, MedGen C0035335, MeSH D012175, MONDO:0008380, OMIM 180200, HP:0009919. Disease mechanism: loss of function. Inheritance: Both sporadic and heritable forms are tested..

Submissions (3):

Ambry Genetics
Classification: Pathogenic for Hereditary cancer-predisposing syndrome. Last evaluated: 2026-01-27. Review status: criteria provided, single submitter. Criteria: Ambry Variant Classification Scheme 2023. Collection method: clinical testing. Allele origin: germline.
Comment: The c.1960+1G>C intronic variant consists of a G to C substitution one nucleotide after exon 19 (coding exon 19) of the RB1 gene. Variants that disrupt the canonical splice site are expected to cause aberrant splicing, resulting in an abnormal protein or a transcript that is subject to nonsense-mediated mRNA decay. This variant was not reported in population-based cohorts in the Genome Aggregation Database (gnomAD). This variant was reported in individuals with features consistent with RB1-related retinoblastoma (Mohd Khalid, 2015; Manukonda, 2022; Akdeniz Odemis, 2023; Ambry internal data). This nucleotide position is highly conserved in available vertebrate species. In silico splice site analysis predicts that this alteration will weaken the native splice donor site. Based on the available evidence, this alteration is classified as pathogenic.

Genetic Diagnostic Laboratory, University of Pennsylvania School of Medicine
Classification: Pathogenic for Retinoblastoma. Last evaluated: 2024-05-20. Review status: criteria provided, single submitter. Criteria: ACMG Guidelines, 2015. Collection method: clinical testing. Allele origin: germline. Affected: yes. Observed: 1 variant allele.
Comment: Case and Pedigree Information: BILATERAL CASES:1, UNILATERAL CASES:0, TOTAL CASES:1, PEDIGREES:1. ACMG Codes Applied:PVS1, PM2

Labcorp Genetics (formerly Invitae), Labcorp
Classification: Pathogenic for Retinoblastoma. Last evaluated: 2021-09-01. Review status: criteria provided, single submitter. Criteria: Invitae Variant Classification Sherloc (09022015). Collection method: clinical testing. Allele origin: germline.

Literature cited by the submitters: PubMed 26539030 (cited by Ambry Genetics); PubMed 34645364 (cited by Ambry Genetics); PubMed 37682130 (cited by Ambry Genetics).

NM_000321.3(RB1):c.1960+1G>C

Gene: RB1 (RB transcriptional corepressor 1; plus strand). Cytogenetic location: 13q14.2.
Variant type: single nucleotide variant.
Coding change: c.1960+1G>C on transcript NM_000321.3 (MANE Select); the canonical splice donor site of the intron after coding-DNA position 1960, G replaced by C.
Molecular consequence: splice donor variant.
Genome position (GRCh38, 1-based): chr13:48,456,350, G>C. VCF-style: chr13-48456350-G-C. GRCh37 (hg19) VCF-style: chr13-49030486-G-C.
Other names: c.1960+1G>C (NM_001407165.1).
Identifiers: ClinVar variation 862582 (VCV000862582.7), dbSNP rs1949360306, ClinGen allele CA388166320.